The following is an entry in ClinVar:

NM_004606.5(TAF1):c.2076G>A (p.Met692Ile)

Gene: TAF1 (TATA-box binding protein associated factor 1; plus strand). Cytogenetic location: Xq13.1.
Variant type: single nucleotide variant.
Coding change: c.2076G>A on transcript NM_004606.5 (MANE Select); coding-DNA position 2076, G replaced by A.
Protein change: p.Met692Ile; replaces methionine 692 with isoleucine.
Molecular consequence: missense variant. On other transcripts: non-coding transcript variant (9).
Genome position (GRCh38, 1-based): chrX:71,384,090, G>A. VCF-style: chrX-71384090-G-A. GRCh37 (hg19) VCF-style: chrX-70603940-G-A.
Other names: c.2076G>A, p.Met692Ile (NM_001286074.2); c.2013G>A, p.Met671Ile (NM_138923.4); short protein forms M671I, M692I.
Identifiers: ClinVar variation 1305432 (VCV001305432.2), dbSNP rs2148297629, ClinGen allele CA413517196.
Genomic context (GRCh38, chrX:71,384,090, plus strand): 5'-CACAGGCAAAGATGGTGATCTTATTCTTGCAGAATATAGTGAGGAAAATGGACCCTTAAT[G>A]ATGCAGGTTGGCATGGCAACCAAGATAAAGAACTATTATAAACGGGTGAGTCTCTGCTCA-3'
Protein context (NP_004597.3, residues 682-702): AEYSEENGPL[Met692Ile]MQVGMATKIK

ClinVar aggregate classification (germline): Uncertain significance (1 of 4 stars; one submission).

Submission:

GeneDx
Classification: Uncertain significance. Last evaluated: 2019-05-01. Review status: criteria provided, single submitter. Criteria: GeneDx Variant Classification Process June 2021. Collection method: clinical testing. Allele origin: germline. Affected: yes.
Comment: Has not been previously published as pathogenic or benign to our knowledge; Not observed in large population cohorts (Lek et al., 2016); In silico analysis, which includes protein predictors and evolutionary conservation, supports that this variant does not alter protein structure/function